The following is an entry in ClinVar:

ClinVar aggregate classification (germline): Likely benign. Review status: criteria provided, single submitter (1 of 4 stars). 2 submissions from 2 submitters: Likely benign (1). 1 of the submissions does not count toward it. Last evaluated 2025-12-08.

Conditions:
C2CD3-related disorder. Also called: C2CD3-related condition.

Allele frequency attached by ClinVar (database versions not stated): gnomAD exomes 0.00004 and 0.00007; ExAC 0.00010; gnomAD 0.00032 and 0.00035; TOPMed 0.00040; ESP Exome Variant Server 0.00054.
gnomAD v4.1: 103 of 1,613,924 alleles (0.0064%); highest among the groups gnomAD compares: African/African-American, 0.12%; 1 homozygote.

Submissions (2):

Labcorp Genetics (formerly Invitae), Labcorp
Classification: Likely benign. Last evaluated: 2025-12-08. Review status: criteria provided, single submitter. Criteria: Invitae Variant Classification Sherloc (09022015). Collection method: clinical testing. Allele origin: germline.

PreventionGenetics, part of Exact Sciences
Classification: Likely benign for C2CD3-related condition. Last evaluated: 2024-08-12. Review status: no assertion criteria provided. Collection method: clinical testing. Allele origin: germline. Not counted in ClinVar's aggregate classification.
Comment: This variant is classified as likely benign based on ACMG/AMP sequence variant interpretation guidelines (Richards et al. 2015 PMID: 25741868, with internal and published modifications).

NM_001286577.2(C2CD3):c.2544A>G (p.Ala848=)

Gene: C2CD3 (C2 domain containing 3 centriole elongation regulator; minus strand). Cytogenetic location: 11q13.4.
Variant type: single nucleotide variant.
Coding change: c.2544A>G on transcript NM_001286577.2 (MANE Select); coding-DNA position 2544, A replaced by G.
Protein change: p.Ala848=; no amino-acid change (alanine 848 retained).
Molecular consequence: synonymous variant.
Genome position (GRCh38, 1-based): chr11:74,103,167, T>C on the plus strand (A>G on the coding strand, the complement: C2CD3 is on the minus strand). VCF-style: chr11-74103167-T-C. GRCh37 (hg19) VCF-style: chr11-73814212-T-C.
Other names: c.2544A>G, p.Ala848= (NM_015531.6).
Identifiers: ClinVar variation 781026 (VCV000781026.9), dbSNP rs143295032, ClinGen allele CA6182629.
Genomic context (GRCh38, chr11:74,103,167, plus strand): 5'-TGGATATGGAATGTACAAAGTTACCTGAGAAAAGTTAAAGACCGGTTGTGTTGTGCCCCA[T>C]GCGATGACAGATCTGGTGACTTCCTCTGTGCTGAAGAGTTTACAATTTAAATAAACATTG-3'
Protein context (NP_001273506.1, residues 838-858): STEEVTRSVI[Ala848=]WGTTQPVFNF